The following is an entry in ClinVar:

NM_001330288.2(SMARCC2):c.3527C>G (p.Pro1176Arg)

Gene: SMARCC2 (SWI/SNF related BAF chromatin remodeling complex subunit C2; minus strand). Cytogenetic location: 12q13.2.
Variant type: single nucleotide variant.
Coding change: c.3527C>G on transcript NM_001330288.2 (MANE Select); coding-DNA position 3527, C replaced by G.
Protein change: p.Pro1176Arg; replaces proline 1176 with arginine.
Molecular consequence: missense variant. On other transcripts: intron variant (2).
Genome position (GRCh38, 1-based): chr12:56,164,437, G>C on the plus strand (C>G on the coding strand, the complement: SMARCC2 is on the minus strand). VCF-style: chr12-56164437-G-C. GRCh37 (hg19) VCF-style: chr12-56558221-G-C.
Other names: c.3434C>G, p.Pro1145Arg (NM_003075.5); c.3316+211C>G (NM_139067.4); c.3317-69C>G (NM_001130420.3); short protein forms P1145R, P1176R.
Identifiers: ClinVar variation 2643071 (VCV002643071.24), dbSNP rs1008521267, ClinGen allele CA237650020.

ClinVar aggregate classification (germline): Uncertain significance (1 of 4 stars; one submission).

Allele frequency attached by ClinVar (database versions not stated): gnomAD exomes below 0.00001.
gnomAD v4.1: 3 of 1,614,064 alleles (0.00019%); highest among the groups gnomAD compares: Non-Finnish European, 0.000085%; no homozygotes.

Submission:

CeGaT Center for Human Genetics Tuebingen
Classification: Uncertain significance. Last evaluated: 2023-07-01. Review status: criteria provided, single submitter. Criteria: CeGaT Center For Human Genetics Tuebingen Variant Classification Criteria Version 2. Collection method: clinical testing. Allele origin: germline. Affected: yes. Observed: 1 variant allele.
Comment: SMARCC2: PM2